The following is an entry in ClinVar:

ClinVar aggregate classification (germline): Uncertain significance (1 of 4 stars; one submission).

Conditions:
Hereditary cancer-predisposing syndrome. Also called: Neoplastic Syndromes, Hereditary; Tumor predisposition; Hereditary neoplastic syndrome; Hereditary Cancer Syndrome. Identifiers: Orphanet 140162, MedGen C0027672, MeSH D009386, MONDO:0015356.

Submission:

Ambry Genetics
Classification: Uncertain significance for Hereditary cancer-predisposing syndrome. Last evaluated: 2026-08-01. Review status: criteria provided, single submitter. Criteria: Ambry Variant Classification Scheme 2023. Collection method: clinical testing. Allele origin: germline.
Comment: The p.K484T variant (also known as c.1451A>C), located in coding exon 9 of the MSH3 gene, results from an A to C substitution at nucleotide position 1451. The lysine at codon 484 is replaced by threonine, an amino acid with similar properties. This amino acid position is conserved. In addition, this alteration is predicted to be tolerated by in silico analysis. Based on the available evidence, the clinical significance of this variant remains unclear.

NM_002439.5(MSH3):c.1451A>C (p.Lys484Thr)

Gene: MSH3 (mutS homolog 3; plus strand). Cytogenetic location: 5q14.1.
Variant type: single nucleotide variant.
Coding change: c.1451A>C on transcript NM_002439.5 (MANE Select); coding-DNA position 1451, A replaced by C.
Protein change: p.Lys484Thr; replaces lysine 484 with threonine.
Molecular consequence: missense variant.
Genome position (GRCh38, 1-based): chr5:80,725,563, A>C. VCF-style: chr5-80725563-A-C. GRCh37 (hg19) VCF-style: chr5-80021382-A-C.
Other names: short protein forms K484T.
Identifiers: ClinVar variation 5024817 (VCV005024817.1).